The following is an entry in ClinVar:

NM_006440.5(TXNRD2):c.1216G>A (p.Gly406Ser)

Gene: TXNRD2 (thioredoxin reductase 2; minus strand). Cytogenetic location: 22q11.21.
Variant type: single nucleotide variant.
Coding change: c.1216G>A on transcript NM_006440.5 (MANE Select); coding-DNA position 1216, G replaced by A.
Protein change: p.Gly406Ser; replaces glycine 406 with serine.
Molecular consequence: missense variant. On other transcripts: non-coding transcript variant (1).
Genome position (GRCh38, 1-based): chr22:19,880,238, C>T on the plus strand (G>A on the coding strand, the complement: TXNRD2 is on the minus strand). VCF-style: chr22-19880238-C-T. GRCh37 (hg19) VCF-style: chr22-19867761-C-T.
Other names: c.1213G>A, p.Gly405Ser (NM_001352300.2); c.1126G>A, p.Gly376Ser (NM_001352301.2); c.928G>A, p.Gly310Ser (NM_001352302.2); short protein forms G376S, G405S, G310S, G406S.
Identifiers: ClinVar variation 3711703 (VCV003711703.2).
Genomic context (GRCh38, chr22:19,880,238, plus strand): 5'-CCTCAACATGCTCCTGCCCGTGGCGAGCCACTGCCTCCTCCTCGGACAGCCCCACACAGC[C>T]ATACTCCAGCGGGGTGAAGACGGTCGTGGGAACCTGAAAGCAGGTCTGGAGTCAGGGAGG-3'
Protein context (NP_006431.2, residues 396-416): PTTVFTPLEY[Gly406Ser]CVGLSEEEAV

ClinVar aggregate classification (germline): Uncertain significance (1 of 4 stars; one submission).

Conditions:
Primary dilated cardiomyopathy (DCM). Also called: Dilated Cardiomyopathy. Identifiers: Orphanet 217604, MedGen C0007193, MeSH D002311, MONDO:0005021, HP:0001644. Inheritance: Various modes of inheritance.

gnomAD v4.1: 7 of 1,613,724 alleles (0.00043%); highest among the groups gnomAD compares: Middle Eastern, 0.016%; no homozygotes.

Submission:

Labcorp Genetics (formerly Invitae), Labcorp
Classification: Uncertain significance for Primary dilated cardiomyopathy. Last evaluated: 2024-06-12. Review status: criteria provided, single submitter. Criteria: Invitae Variant Classification Sherloc (09022015). Collection method: clinical testing. Allele origin: germline.
Comment: This sequence change replaces glycine, which is neutral and non-polar, with serine, which is neutral and polar, at codon 406 of the TXNRD2 protein (p.Gly406Ser). This variant is present in population databases (no rsID available, gnomAD 0.003%). This variant has not been reported in the literature in individuals affected with TXNRD2-related conditions. Advanced modeling of protein sequence and biophysical properties (such as structural, functional, and spatial information, amino acid conservation, physicochemical variation, residue mobility, and thermodynamic stability) performed at Invitae indicates that this missense variant is not expected to disrupt TXNRD2 protein function with a negative predictive value of 80%. In summary, the available evidence is currently insufficient to determine the role of this variant in disease. Therefore, it has been classified as a Variant of Uncertain Significance.